The following is an entry in ClinVar:

NM_001039141.3(TRIOBP):c.1012A>G (p.Asn338Asp)

Gene: TRIOBP (TRIO and F-actin binding protein; plus strand). Cytogenetic location: 22q13.1.
Variant type: single nucleotide variant.
Coding change: c.1012A>G on transcript NM_001039141.3 (MANE Select); coding-DNA position 1012, A replaced by G.
Protein change: p.Asn338Asp; replaces asparagine 338 with aspartic acid.
Molecular consequence: missense variant.
Genome position (GRCh38, 1-based): chr22:37,723,568, A>G. VCF-style: chr22-37723568-A-G. GRCh37 (hg19) VCF-style: chr22-38119575-A-G.
Other names: short protein forms N338D.
Identifiers: ClinVar variation 3362022 (VCV003362022.1).

ClinVar aggregate classification (germline): Uncertain significance (1 of 4 stars; one submission).

gnomAD v4.1: 2 of 1,613,808 alleles (0.00012%); highest among the groups gnomAD compares: African/African-American, 0.0027%; no homozygotes.

Submission:

GeneDx
Classification: Uncertain significance. Last evaluated: 2023-05-26. Review status: criteria provided, single submitter. Criteria: GeneDx Variant Classification Process June 2021. Collection method: clinical testing. Allele origin: germline. Affected: yes.
Comment: Not observed at significant frequency in large population cohorts (gnomAD); In silico analysis supports that this missense variant does not alter protein structure/function; Has not been previously published as pathogenic or benign to our knowledge